The following is an entry in ClinVar:

ClinVar aggregate classification (germline): Uncertain significance. Review status: criteria provided, multiple submitters, no conflicts (2 of 4 stars). 5 submissions from 5 submitters: Uncertain significance (3). 2 of the submissions do not count toward it. Last evaluated 2026-02-18.

Conditions:
ABCA4-related disorder. Also called: ABCA4-related disorders; ABCA4-related condition. Identifiers: MedGen CN239167.
Inborn genetic diseases. Identifiers: MedGen C0950123, MeSH D030342.

Allele frequency attached by ClinVar (database versions not stated): ExAC 0.00001; gnomAD 0.00001; gnomAD exomes 0.00001 and 0.00005; TOPMed 0.00001.
gnomAD v4.1: 19 of 1,613,996 alleles (0.0012%); highest among the groups gnomAD compares: Admixed American, 0.018%; no homozygotes.

Submissions (5):

PreventionGenetics, part of Exact Sciences
Classification: Uncertain significance for ABCA4-related condition. Last evaluated: 2026-02-18. Review status: criteria provided, single submitter. Criteria: ACMG Guidelines, 2015. Collection method: clinical testing. Allele origin: germline.
Comment: The ABCA4 c.3962C>T variant is predicted to result in the amino acid substitution p.Ser1321Phe. To our knowledge, this variant has not been reported in the literature. This variant is reported in 0.028% of alleles in individuals of Latino descent in gnomAD. At this time, the clinical significance of this variant is uncertain due to the absence of conclusive functional and genetic evidence.

Ambry Genetics
Classification: Uncertain significance for Inborn genetic diseases. Last evaluated: 2025-03-31. Review status: criteria provided, single submitter. Criteria: Ambry Variant Classification Scheme 2023. Collection method: clinical testing. Allele origin: germline.

Labcorp Genetics (formerly Invitae), Labcorp
Classification: Uncertain significance. Last evaluated: 2022-07-06. Review status: criteria provided, single submitter. Criteria: Invitae Variant Classification Sherloc (09022015). Collection method: clinical testing. Allele origin: germline.
Comment: This sequence change replaces serine, which is neutral and polar, with phenylalanine, which is neutral and non-polar, at codon 1321 of the ABCA4 protein (p.Ser1321Phe). This variant is present in population databases (rs779524552, gnomAD 0.03%). This variant has not been reported in the literature in individuals affected with ABCA4-related conditions. ClinVar contains an entry for this variant (Variation ID: 1007295). Advanced modeling of protein sequence and biophysical properties (such as structural, functional, and spatial information, amino acid conservation, physicochemical variation, residue mobility, and thermodynamic stability) performed at Invitae indicates that this missense variant is not expected to disrupt ABCA4 protein function. In summary, the available evidence is currently insufficient to determine the role of this variant in disease. Therefore, it has been classified as a Variant of Uncertain Significance.

Clinical Genetics, Academic Medical Center
Classification: Uncertain significance. Review status: no assertion criteria provided. Collection method: clinical testing. Allele origin: germline. Affected: yes. Study: VKGL Data-share Consensus. Not counted in ClinVar's aggregate classification.

Joint Genome Diagnostic Labs from Nijmegen and Maastricht, Radboudumc and MUMC+
Classification: Uncertain significance. Review status: no assertion criteria provided. Collection method: clinical testing. Allele origin: germline. Affected: yes. Study: VKGL Data-share Consensus. Not counted in ClinVar's aggregate classification.

NM_000350.3(ABCA4):c.3962C>T (p.Ser1321Phe)

Gene: ABCA4 (ATP binding cassette subfamily A member 4; minus strand). Cytogenetic location: 1p22.1.
Variant type: single nucleotide variant.
Coding change: c.3962C>T on transcript NM_000350.3 (MANE Select); coding-DNA position 3962, C replaced by T.
Protein change: p.Ser1321Phe; replaces serine 1321 with phenylalanine.
Molecular consequence: missense variant.
Genome position (GRCh38, 1-based): chr1:94,031,944, G>A on the plus strand (C>T on the coding strand, the complement: ABCA4 is on the minus strand). VCF-style: chr1-94031944-G-A. GRCh37 (hg19) VCF-style: chr1-94497500-G-A.
Other names: c.3962C>T (NM_000350.2); c.3740C>T, p.Ser1247Phe (NM_001425324.1); short protein forms S1321F, S1247F.
Identifiers: ClinVar variation 1007295 (VCV001007295.12), dbSNP rs779524552, ClinGen allele CA957761.
Genomic context (GRCh38, chr1:94,031,944, plus strand): 5'-CCTGGGCACTCTGGCTCTGGGGGAGGCTGGCCCTCTGGGTGAGCAGCCGGCGCCCCTGGG[G>A]AGCAGACATTGGAGTCCTGGGGTGTCTGTCCAGCCTTCTCTCTGGGACCCAAGCAGGGGT-3'
Protein context (NP_000341.2, residues 1311-1331): GQTPQDSNVC[Ser1321Phe]PGAPAAHPEG